The following is an entry in ClinVar:

ClinVar aggregate classification (germline): Uncertain significance (1 of 4 stars; one submission).

Conditions:
Hereditary cancer-predisposing syndrome. Also called: Tumor predisposition; Neoplastic Syndromes, Hereditary; Hereditary neoplastic syndrome; Hereditary Cancer Syndrome. Identifiers: Orphanet 140162, MedGen C0027672, MeSH D009386, MONDO:0015356.

Submission:

Ambry Genetics
Classification: Uncertain significance for Hereditary cancer-predisposing syndrome. Last evaluated: 2025-08-27. Review status: criteria provided, single submitter. Criteria: Ambry Variant Classification Scheme 2023. Collection method: clinical testing. Allele origin: germline.
Comment: The p.T207P variant (also known as c.619A>C), located in coding exon 8 of the MUTYH gene, results from an A to C substitution at nucleotide position 619. The threonine at codon 207 is replaced by proline, an amino acid with highly similar properties. This amino acid position is conserved. In addition, the in silico prediction for this alteration is inconclusive. Based on the available evidence, the clinical significance of this variant remains unclear.

NM_001048174.2(MUTYH):c.535A>C (p.Thr179Pro)

Gene: MUTYH (mutY DNA glycosylase; minus strand). Cytogenetic location: 1p34.1.
Variant type: single nucleotide variant.
Coding change: c.535A>C on transcript NM_001048174.2 (MANE Select); coding-DNA position 535, A replaced by C.
Protein change: p.Thr179Pro; replaces threonine 179 with proline.
Molecular consequence: missense variant. On other transcripts: non-coding transcript variant (7).
Genome position (GRCh38, 1-based): chr1:45,332,645, T>G on the plus strand (A>C on the coding strand, the complement: MUTYH is on the minus strand). VCF-style: chr1-45332645-T-G. GRCh37 (hg19) VCF-style: chr1-45798317-T-G.
Other names: c.259A>C, p.Thr87Pro (NM_001293192.2, NM_001407091.1, NM_001293196.2); c.568A>C, p.Thr190Pro (NM_001407077.1, NM_001407069.1, NM_001293191.2); c.538A>C, p.Thr180Pro (NM_001407078.1, NM_001407086.1, NM_001407071.1 and 1 more transcripts); c.496A>C, p.Thr166Pro (NM_001407079.1); c.493A>C, p.Thr165Pro (NM_001407080.1); c.535A>C, p.Thr179Pro (NM_001407081.1, NM_001407088.1, NM_001407089.1 and 6 more transcripts); c.190A>C, p.Thr64Pro (NM_001407082.1, NM_001350650.2, NM_001350651.2); c.577A>C, p.Thr193Pro (NM_001407083.1, NM_001407085.1); and 5 more; short protein forms T165P, T151P, T179P, T193P, T166P, T180P, T186P, T190P.
Identifiers: ClinVar variation 4112796 (VCV004112796.1).